The following is an entry in ClinVar:

NM_005422.4(TECTA):c.6380C>T (p.Ser2127Leu)

Genes: TBCEL-TECTA (TBCEL-TECTA readthrough; plus strand), TECTA (tectorin alpha; plus strand). Cytogenetic location: 11q23.3.
Variant type: single nucleotide variant.
Coding change: c.6380C>T on transcript NM_005422.4 (MANE Select); coding-DNA position 6380, C replaced by T.
Protein change: p.Ser2127Leu; replaces serine 2127 with leucine.
Molecular consequence: missense variant.
Genome position (GRCh38, 1-based): chr11:121,190,718, C>T. VCF-style: chr11-121190718-C-T. GRCh37 (hg19) VCF-style: chr11-121061427-C-T.
Other names: c.7322C>T, p.Ser2441Leu (NM_001378761.1); short protein forms S2127L, S2441L.
Identifiers: ClinVar variation 3361600 (VCV003361600.1).
Genomic context (GRCh38, chr11:121,190,718, plus strand): 5'-AGGTATTTTTCCCCCCATAGGGCTTACTGTGTTCCTCTCTGTTTACAGCCTCTAATTCTT[C>T]AATGGAACTTCAAGTCTGGACGCTTCTTCTCATCATGATCCAGATTTCATTATGGCATTT-3'
Protein context (NP_005413.2, residues 2117-2137): DGKSCRASNS[Ser2127Leu]MELQVWTLLL

ClinVar aggregate classification (germline): Uncertain significance (1 of 4 stars; one submission).

Submission:

GeneDx
Classification: Uncertain significance. Last evaluated: 2023-08-02. Review status: criteria provided, single submitter. Criteria: GeneDx Variant Classification Process June 2021. Collection method: clinical testing. Allele origin: germline. Affected: yes.
Comment: Not observed at significant frequency in large population cohorts (gnomAD); In silico analysis supports that this missense variant does not alter protein structure/function; Has not been previously published as pathogenic or benign to our knowledge